The following is an entry in ClinVar:

NM_017852.5(NLRP2):c.2031-80G>T

Gene: NLRP2 (NLR family pyrin domain containing 2; plus strand). Cytogenetic location: 19q13.42.
Variant type: single nucleotide variant.
Coding change: c.2031-80G>T on transcript NM_017852.5 (MANE Select); 80 bases into the intron before coding-DNA position 2031, G replaced by T.
Molecular consequence: intron variant.
Genome position (GRCh38, 1-based): chr19:54,984,967, G>T. VCF-style: chr19-54984967-G-T. GRCh37 (hg19) VCF-style: chr19-55496335-G-T.
Other names: c.2031-80G>T (NM_001174081.3); c.2022-80G>T (NM_001348003.2); c.1965-80G>T (NM_001174082.3); c.1962-80G>T (NM_001174083.2).
Identifiers: ClinVar variation 103052 (VCV000103052.2), dbSNP rs199475718, ClinGen allele CA230032.

ClinVar aggregate classification (germline): not provided (0 of 4 stars; one submission).

Allele frequency attached by ClinVar (database versions not stated): gnomAD 0.00001 and 0.00004; TOPMed 0.00002; 1000 Genomes Project 30x 0.00016; 1000 Genomes Project 0.00020.
gnomAD v4.1: 31 of 1,340,670 alleles (0.0023%); highest among the groups gnomAD compares: East Asian, 0.057%; no homozygotes.

Submission:

Human Evolutionary Genetics, Institut Pasteur
No classification provided. Review status: no classification provided. Collection method: not provided. Allele origin: germline.
ClinVar note: Converted during submission from untested to not provided.